The following is an entry in ClinVar:

ClinVar aggregate classification (germline): Uncertain significance (1 of 4 stars; one submission).

Submission:

Labcorp Genetics (formerly Invitae), Labcorp
Classification: Uncertain significance. Last evaluated: 2025-02-04. Review status: criteria provided, single submitter. Criteria: Invitae Variant Classification Sherloc (09022015). Collection method: clinical testing. Allele origin: germline.
Comment: This sequence change replaces phenylalanine, which is neutral and non-polar, with leucine, which is neutral and non-polar, at codon 165 of the CLCN4 protein (p.Phe165Leu). This variant is not present in population databases (gnomAD no frequency). This variant has not been reported in the literature in individuals affected with CLCN4-related conditions. ClinVar contains an entry for this variant (Variation ID: 2091822). Invitae Evidence Modeling of protein sequence and biophysical properties (such as structural, functional, and spatial information, amino acid conservation, physicochemical variation, residue mobility, and thermodynamic stability) indicates that this missense variant is not expected to disrupt CLCN4 protein function with a negative predictive value of 95%. In summary, the available evidence is currently insufficient to determine the role of this variant in disease. Therefore, it has been classified as a Variant of Uncertain Significance.

NM_001830.4(CLCN4):c.495T>G (p.Phe165Leu)

Gene: CLCN4 (Cl-/H+ antiporter 4; plus strand). Cytogenetic location: Xp22.2.
Variant type: single nucleotide variant.
Coding change: c.495T>G on transcript NM_001830.4 (MANE Select); coding-DNA position 495, T replaced by G.
Protein change: p.Phe165Leu; replaces phenylalanine 165 with leucine.
Molecular consequence: missense variant.
Genome position (GRCh38, 1-based): chrX:10,198,001, T>G. VCF-style: chrX-10198001-T-G. GRCh37 (hg19) VCF-style: chrX-10166041-T-G.
Other names: c.213T>G, p.Phe71Leu (NM_001256944.2); short protein forms F71L, F165L.
Identifiers: ClinVar variation 2091822 (VCV002091822.4), dbSNP rs2518879730, ClinGen allele CA412034875.